The following is an entry in ClinVar:

ClinVar aggregate classification (germline): Uncertain significance (1 of 4 stars; one submission).

Submission:

Ambry Genetics
Classification: Uncertain significance. Last evaluated: 2025-03-08. Review status: criteria provided, single submitter. Criteria: Ambry Variant Classification Scheme 2023. Collection method: clinical testing. Allele origin: germline.
Comment: The p.N92H variant (also known as c.274A>C), located in coding exon 3 of the SRP72 gene, results from an A to C substitution at nucleotide position 274. The asparagine at codon 92 is replaced by histidine, an amino acid with similar properties. This amino acid position is conserved. In addition, this alteration is predicted to be tolerated by in silico analysis. Based on the available evidence, the clinical significance of this variant remains unclear.

NM_006947.4(SRP72):c.274A>C (p.Asn92His)

Gene: SRP72 (signal recognition particle 72; plus strand). Cytogenetic location: 4q12.
Variant type: single nucleotide variant.
Coding change: c.274A>C on transcript NM_006947.4 (MANE Select); coding-DNA position 274, A replaced by C.
Protein change: p.Asn92His; replaces asparagine 92 with histidine.
Molecular consequence: missense variant. On other transcripts: non-coding transcript variant (1).
Genome position (GRCh38, 1-based): chr4:56,471,763, A>C. VCF-style: chr4-56471763-A-C. GRCh37 (hg19) VCF-style: chr4-57337929-A-C.
Other names: c.274A>C, p.Asn92His (NM_001267722.2); short protein forms N92H.
Identifiers: ClinVar variation 3801519 (VCV003801519.1).
Genomic context (GRCh38, chr4:56,471,763, plus strand): 5'-TTTTTTTCCTTCTTCAGTAACTCTCTCTCCTTTGAAAAGGCATATTGCGAGTACAGGCTG[A>C]ACAGAATTGAGAATGCCTTGAAGACAATAGAAAGTGCCAACCAGCAGACAGACAAACTGA-3'
Protein context (NP_008878.3, residues 82-102): FEKAYCEYRL[Asn92His]RIENALKTIE